The following is an entry in ClinVar:

NM_017617.5(NOTCH1):c.2066A>G (p.Asn689Ser)

Gene: NOTCH1 (notch receptor 1; minus strand). Cytogenetic location: 9q34.3.
Variant type: single nucleotide variant.
Coding change: c.2066A>G on transcript NM_017617.5 (MANE Select); coding-DNA position 2066, A replaced by G.
Protein change: p.Asn689Ser; replaces asparagine 689 with serine.
Molecular consequence: missense variant.
Genome position (GRCh38, 1-based): chr9:136,514,651, T>C on the plus strand (A>G on the coding strand, the complement: NOTCH1 is on the minus strand). VCF-style: chr9-136514651-T-C. GRCh37 (hg19) VCF-style: chr9-139409103-T-C.
Other names: short protein forms N689S.
Identifiers: ClinVar variation 2909265 (VCV002909265.3), dbSNP rs2133361106, ClinGen allele CA375558809.

ClinVar aggregate classification (germline): Uncertain significance (1 of 4 stars; one submission).

Conditions:
Adams-Oliver syndrome 5 (AOS5). Identifiers: Orphanet 974, MedGen C4014970, MONDO:0014459, OMIM 616028.

Allele frequency attached by ClinVar (database versions not stated): gnomAD exomes below 0.00001.
gnomAD v4.1: 2 of 1,612,672 alleles (0.00012%); highest among the groups gnomAD compares: African/African-American, 0.0013%; no homozygotes.

Submission:

Labcorp Genetics (formerly Invitae), Labcorp
Classification: Uncertain significance for Adams-Oliver syndrome 5. Last evaluated: 2024-01-06. Review status: criteria provided, single submitter. Criteria: Invitae Variant Classification Sherloc (09022015). Collection method: clinical testing. Allele origin: germline.
Comment: This sequence change replaces asparagine, which is neutral and polar, with serine, which is neutral and polar, at codon 689 of the NOTCH1 protein (p.Asn689Ser). This variant is not present in population databases (gnomAD no frequency). This variant has not been reported in the literature in individuals affected with NOTCH1-related conditions. Advanced modeling of protein sequence and biophysical properties (such as structural, functional, and spatial information, amino acid conservation, physicochemical variation, residue mobility, and thermodynamic stability) performed at Invitae indicates that this missense variant is not expected to disrupt NOTCH1 protein function with a negative predictive value of 80%. In summary, the available evidence is currently insufficient to determine the role of this variant in disease. Therefore, it has been classified as a Variant of Uncertain Significance.